The following is an entry in ClinVar:

NM_000290.4(PGAM2):c.545T>C (p.Leu182Pro)

Genes: DBNL (drebrin like; plus strand), PGAM2 (phosphoglycerate mutase 2; minus strand). Cytogenetic location: 7p13.
Variant type: single nucleotide variant.
Coding change: c.545T>C on transcript NM_000290.4 (MANE Select); coding-DNA position 545, T replaced by C.
Protein change: p.Leu182Pro; replaces leucine 182 with proline.
Molecular consequence: missense variant. On other transcripts: 3 prime UTR variant (6).
Genome position (GRCh38, 1-based): chr7:44,064,882, A>G on the plus strand (T>C on the coding strand, the complement: PGAM2 is on the minus strand). VCF-style: chr7-44064882-A-G. GRCh37 (hg19) VCF-style: chr7-44104481-A-G.
Other names: c.*3966A>G (NM_001014436.3, NM_001122956.2, NM_001284313.2 and 3 more transcripts); short protein forms L182P.
Identifiers: ClinVar variation 1058779 (VCV001058779.10), dbSNP rs749757183, ClinGen allele CA4236536.
Genomic context (GRCh38, chr7:44,064,882, plus strand): 5'-GTGGCCTCACCTTCCAGGTGCTTGACAATGCCCCGCAGGCTGTTCCCGTGGGCTGCAATG[A>G]GCACTCGCTTGCCGGCCTTGATCTGGGGAACAATCTCCTCGTTCCAGAAGGGCAGGGCCC-3'
Protein context (NP_000281.2, residues 172-192): VPQIKAGKRV[Leu182Pro]IAAHGNSLRG

ClinVar aggregate classification (germline): Uncertain significance. Review status: criteria provided, multiple submitters, no conflicts (2 of 4 stars). 2 submissions from 2 submitters: Uncertain significance (2). Last evaluated 2024-02-09.

Conditions:
Glycogen storage disease type X (GSD10). Also called: Dimauro disease; GSD X; MYOPATHY DUE TO PHOSPHOGLYCERATE MUTASE DEFICIENCY; PGAMM DEFICIENCY; PHOSPHOGLYCERATE MUTASE, MUSCLE, DEFICIENCY OF; Glycogen storage disease due to phosphoglycerate mutase deficiency. Identifiers: Orphanet 97234, MedGen C0268149, MONDO:0009865, OMIM 261670.

Allele frequency attached by ClinVar (database versions not stated): gnomAD 0.00001; gnomAD exomes 0.00006 and 0.00011; ExAC 0.00015.
gnomAD v4.1: 94 of 1,603,708 alleles (0.0059%); highest among the groups gnomAD compares: South Asian, 0.099%; 2 homozygotes.

Submissions (2):

Blueprint Genetics
Classification: Uncertain significance. Last evaluated: 2024-02-09. Review status: criteria provided, single submitter. Criteria: ACMG Guidelines, 2015. Collection method: clinical testing. Allele origin: germline.

Labcorp Genetics (formerly Invitae), Labcorp
Classification: Uncertain significance for Glycogen storage disease type X. Last evaluated: 2022-08-10. Review status: criteria provided, single submitter. Criteria: Invitae Variant Classification Sherloc (09022015). Collection method: clinical testing. Allele origin: germline.
Comment: This sequence change replaces leucine, which is neutral and non-polar, with proline, which is neutral and non-polar, at codon 182 of the PGAM2 protein (p.Leu182Pro). This variant is present in population databases (rs749757183, gnomAD 0.09%). In summary, the available evidence is currently insufficient to determine the role of this variant in disease. Therefore, it has been classified as a Variant of Uncertain Significance. Algorithms developed to predict the effect of missense changes on protein structure and function (SIFT, PolyPhen-2, Align-GVGD) all suggest that this variant is likely to be disruptive. ClinVar contains an entry for this variant (Variation ID: 1058779). This variant has not been reported in the literature in individuals affected with PGAM2-related conditions.